The following is an entry in ClinVar:

NM_031483.7(ITCH):c.337+4T>C

Gene: ITCH (itchy E3 ubiquitin protein ligase; plus strand). Cytogenetic location: 20q11.22.
Variant type: single nucleotide variant.
Coding change: c.337+4T>C on transcript NM_031483.7 (MANE Select); 4 bases into the intron after coding-DNA position 337, T replaced by C.
Molecular consequence: intron variant.
Genome position (GRCh38, 1-based): chr20:34,412,643, T>C. VCF-style: chr20-34412643-T-C. GRCh37 (hg19) VCF-style: chr20-33000449-T-C.
Other names: c.337+4T>C (NM_001324197.2, NM_001324198.2, NM_001257137.3); c.7+4T>C (NM_001257138.3).
Identifiers: ClinVar variation 1907768 (VCV001907768.5), dbSNP rs2515540144, ClinGen allele CA2577375537.

ClinVar aggregate classification (germline): Uncertain significance (1 of 4 stars; one submission).

Conditions:
Syndromic multisystem autoimmune disease due to ITCH deficiency. Also called: AUTOIMMUNE DISEASE, MULTISYSTEM, WITH FACIAL DYSMORPHISM. Identifiers: Orphanet 228426, MedGen C3150649, MONDO:0013245, OMIM 613385.

Allele frequency attached by ClinVar (database versions not stated): gnomAD exomes below 0.00001.
gnomAD v4.1: 2 of 1,603,908 alleles (0.00012%); highest among the groups gnomAD compares: Non-Finnish European, 0.00017%; no homozygotes.

Submission:

Labcorp Genetics (formerly Invitae), Labcorp
Classification: Uncertain significance for Syndromic multisystem autoimmune disease due to ITCH deficiency. Last evaluated: 2024-02-26. Review status: criteria provided, single submitter. Criteria: Invitae Variant Classification Sherloc (09022015). Collection method: clinical testing. Allele origin: germline.
Comment: This sequence change falls in intron 5 of the ITCH gene. It does not directly change the encoded amino acid sequence of the ITCH protein. It affects a nucleotide within the consensus splice site. This variant is not present in population databases (gnomAD no frequency). This variant has not been reported in the literature in individuals affected with ITCH-related conditions. ClinVar contains an entry for this variant (Variation ID: 1907768). Variants that disrupt the consensus splice site are a relatively common cause of aberrant splicing (PMID: 17576681, 9536098). Algorithms developed to predict the effect of sequence changes on RNA splicing suggest that this variant is not likely to affect RNA splicing. In summary, the available evidence is currently insufficient to determine the role of this variant in disease. Therefore, it has been classified as a Variant of Uncertain Significance.

Literature cited by the submitters: PubMed 17576681; PubMed 9536098.